The following is an entry in ClinVar:

NM_020320.5(RARS2):c.6G>A (p.Ala2=)

Gene: RARS2 (arginyl-tRNA synthetase 2, mitochondrial; minus strand). Cytogenetic location: 6q15.
Variant type: single nucleotide variant.
Coding change: c.6G>A on transcript NM_020320.5 (MANE Select); coding-DNA position 6, G replaced by A.
Protein change: p.Ala2=; no amino-acid change (alanine 2 retained).
Molecular consequence: synonymous variant. On other transcripts: 5 prime UTR variant (7), non-coding transcript variant (23).
Genome position (GRCh38, 1-based): chr6:87,589,952, C>T on the plus strand (G>A on the coding strand, the complement: RARS2 is on the minus strand). VCF-style: chr6-87589952-C-T. GRCh37 (hg19) VCF-style: chr6-88299670-C-T.
Other names: c.6G>A (NM_020320.4); c.-685G>A (NM_001318785.2); c.6G>A, p.Ala2= (NM_001350505.2); c.-741G>A (NM_001350506.2, NM_001350510.2); c.-864G>A (NM_001350507.2); c.-903G>A (NM_001350508.2); c.-611G>A (NM_001350509.2); c.-860G>A (NM_001350511.2).
Identifiers: ClinVar variation 792441 (VCV000792441.11), dbSNP rs371542506, ClinGen allele CA3916856.
Genomic context (GRCh38, chr6:87,589,952, plus strand): 5'-GGACTCCTCTGCGCGCTCCGGGATCCATACCTGGCAAGCAATAGCGCGGCGAAAGCCGCA[C>T]GCCATGTCCACCTCTACGGAAGTGCGCCGCAGTCCGCCAGTTCCGGCCTCGCCCCACCTC-3'
Protein context (NP_064716.2, residues 1-12): M[Ala2=]CGFRRAIACQ

ClinVar aggregate classification (germline): Likely benign. Review status: criteria provided, multiple submitters, no conflicts (2 of 4 stars). 3 submissions from 3 submitters: Likely benign (2). 1 of the submissions does not count toward it. Last evaluated 2025-10-06.

Conditions:
RARS2-related disorder. Also called: RARS2-related condition.
Pontocerebellar hypoplasia type 6 (PCH6). Identifiers: Orphanet 166073, MedGen C1969084, MONDO:0012683, OMIM 611523.

Allele frequency attached by ClinVar (database versions not stated): ExAC 0.00002; gnomAD exomes 0.00002; ESP Exome Variant Server 0.00008; TOPMed 0.00012; gnomAD 0.00017 and 0.00018; 1000 Genomes Project 0.00020; 1000 Genomes Project 30x 0.00031.
gnomAD v4.1: 42 of 1,614,212 alleles (0.0026%); highest among the groups gnomAD compares: African/African-American, 0.045%; no homozygotes.

Submissions (3):

PreventionGenetics, part of Exact Sciences
Classification: Likely benign for RARS2-related condition. Last evaluated: 2025-10-06. Review status: criteria provided, single submitter. Criteria: ACMG Guidelines, 2015. Collection method: clinical testing. Allele origin: germline.
Comment: This variant is classified as likely benign based on ACMG/AMP sequence variant interpretation guidelines (Richards et al. 2015 PMID: 25741868, with internal and published modifications).

Labcorp Genetics (formerly Invitae), Labcorp
Classification: Likely benign. Last evaluated: 2024-03-13. Review status: criteria provided, single submitter. Criteria: Invitae Variant Classification Sherloc (09022015). Collection method: clinical testing. Allele origin: germline.

Natera, Inc.
Classification: Likely benign for Pontocerebellar hypoplasia, type 6. Last evaluated: 2020-09-16. Review status: no assertion criteria provided. Collection method: clinical testing. Allele origin: germline. Not counted in ClinVar's aggregate classification.